The following is an entry in ClinVar:

ClinVar aggregate classification (germline): Pathogenic (1 of 4 stars; one submission).

Conditions:
Dyskeratosis congenita, autosomal recessive 6 (DKCB6). Identifiers: MedGen C4225356, MONDO:0014600, OMIM 616353.
Pulmonary fibrosis and/or bone marrow failure, Telomere-related, 4. Also called: PULMONARY FIBROSIS AND/OR BONE MARROW FAILURE SYNDROME, TELOMERE-RELATED, 4. Identifiers: Orphanet 2032, MedGen C4225347, MONDO:0014612, OMIM 616371.

Submission:

Labcorp Genetics (formerly Invitae), Labcorp
Classification: Pathogenic for Dyskeratosis congenita, autosomal recessive 6; Pulmonary fibrosis and/or bone marrow failure, Telomere-related, 4. Last evaluated: 2025-01-08. Review status: criteria provided, single submitter. Criteria: Invitae Variant Classification Sherloc (09022015). Collection method: clinical testing. Allele origin: germline.
Comment: This sequence change creates a premature translational stop signal (p.Asp103Argfs*12) in the PARN gene. It is expected to result in an absent or disrupted protein product. Loss-of-function variants in PARN are known to be pathogenic (PMID: 9736620, 25848748, 26810774). This variant is not present in population databases (gnomAD no frequency). This variant has not been reported in the literature in individuals affected with PARN-related conditions. For these reasons, this variant has been classified as Pathogenic.

Literature cited by the submitters: PubMed 9736620; PubMed 25848748; PubMed 26810774.

NM_002582.4(PARN):c.305dup (p.Asp103fs)

Gene: PARN (poly(A)-specific ribonuclease; minus strand). Cytogenetic location: 16p13.12.
Variant type: Duplication.
Coding change: c.305dup on transcript NM_002582.4 (MANE Select); coding-DNA position 305, one base duplicated (C; older notation c.305dupC).
Protein change: p.Asp103fs; shifts the reading frame from aspartic acid 103.
Molecular consequence: frameshift variant.
Genome position (GRCh38, 1-based): chr16:14,627,128, G duplicated on the plus strand (C on the coding strand, the reverse complement: PARN is on the minus strand); the first of 2 consecutive G bases (chr16:14,627,128-14,627,129); duplicating either gives the same sequence. VCF-style (leftmost placement, unchanged base first): chr16-14627127-T-TG. GRCh37 (hg19) VCF-style: chr16-14720984-T-TG.
Other names: c.122dup, p.Asp42fs (NM_001134477.3); c.167dup, p.Asp57fs (NM_001242992.2); short protein forms D103fs, D42fs, D57fs.
Identifiers: ClinVar variation 3754250 (VCV003754250.2).
Genomic context (GRCh38, chr16:14,627,127, plus strand): 5'-AGCAATTCAGAAAAGAAAAATCTCAATTATGCTACTTACCTGACAAACAAATTTGACATC[T>TG]GGTGAGGATCTATTGAAGGGTTTCGGGAAAACATAGAAGTTAAATGACTTCGTTATATAC-3'